The following is an entry in ClinVar:

ClinVar aggregate classification (germline): Pathogenic/Likely pathogenic. Review status: criteria provided, multiple submitters, no conflicts (2 of 4 stars). 10 submissions from 10 submitters: Pathogenic (9); Likely pathogenic (1). Last evaluated 2026-02-10.

Conditions:
Neurofibromatosis, familial spinal (FSNF). Identifiers: Orphanet 636, MedGen C1834235, MONDO:0008078, OMIM 162210. Disease mechanism: loss of function.
Juvenile myelomonocytic leukemia (JMML). Also called: LEUKEMIA, JUVENILE MYELOMONOCYTIC, SOMATIC. Identifiers: Orphanet 86834, MedGen C0349639, MONDO:0011908, OMIM 607785, HP:0012209.
Neurofibromatosis-Noonan syndrome (NFNS). Also called: NEUROFIBROMATOSIS WITH NOONAN PHENOTYPE. Identifiers: Orphanet 638, MedGen C2931482, MONDO:0011035, OMIM 601321. Disease mechanism: loss of function.
Café-au-lait macules with pulmonary stenosis (WTSN). Also called: PULMONIC STENOSIS WITH CAFE-AU-LAIT SPOTS. Identifiers: MedGen C0553586, MONDO:0008672, OMIM 193520.
Neurofibromatosis, type 1 (NF1). Also called: NEUROFIBROMATOSIS, TYPE I, SOMATIC; VON RECKLINGHAUSEN DISEASE; Peripheral type neurofibromatosis; Neurofibromatosis, type I. Identifiers: Orphanet 636, MedGen C0027831, MONDO:0018975, OMIM 162200. Disease mechanism: loss of function.
Hereditary cancer-predisposing syndrome. Also called: Tumor predisposition; Hereditary neoplastic syndrome; Neoplastic Syndromes, Hereditary; Hereditary Cancer Syndrome. Identifiers: Orphanet 140162, MedGen C0027672, MeSH D009386, MONDO:0015356.

Submissions (10):

GeneDx
Classification: Pathogenic. Last evaluated: 2026-02-10. Review status: criteria provided, single submitter. Criteria: GeneDx Variant Classification Process June 2021. Collection method: clinical testing. Allele origin: germline.
Comment: Canonical splice site variant predicted to result in an in-frame loss of the adjacent exon in a gene for which loss of function is a known mechanism of disease; Deletions involving coding exons of this gene are a known mechanism of disease (HGMD); Not observed at significant frequency in large population cohorts (gnomAD); This variant is associated with the following publications: (PMID: 18484666, 25525159, 26969325, 27862945, 23913538, 2121369, 25486365, 29973652, 30014477, 31730495, 34418705, 37272364, 37806041, 31766501)

Labcorp Genetics (formerly Invitae), Labcorp
Classification: Pathogenic for Neurofibromatosis, type 1. Last evaluated: 2026-01-25. Review status: criteria provided, single submitter. Criteria: Invitae Variant Classification Sherloc (09022015). Collection method: clinical testing. Allele origin: germline.
Comment: This sequence change affects an acceptor splice site in intron 24 of the NF1 gene. RNA analysis indicates that disruption of this splice site induces altered splicing and may result in an absent or altered protein product. This variant is not present in population databases (gnomAD no frequency). Disruption of this splice site has been observed in individual(s) with neurofibromatosis type 1 (PMID: 23913538, 30014477, 31730495). Invitae Evidence Modeling of clinical and family history, age, sex, and reported ancestry of multiple individuals with this NF1 variant has been performed. This variant is expected to be pathogenic with a positive predictive value of at least 99%. This is a validated machine learning model that incorporates the clinical features of 1,785,918 individuals referred to our laboratory for NF1 testing. ClinVar contains an entry for this variant (Variation ID: 428967). Studies have shown that disruption of this splice site results in activation of a cryptic splice site, and produces a non-functional protein and/or introduces a premature termination codon (PMID: 23913538; internal data). For these reasons, this variant has been classified as Pathogenic.

Division of Genetic & Genomic Pathology, Hong Kong Children's Hospital
Classification: Pathogenic for Neurofibromatosis, type 1. Last evaluated: 2025-08-13. Review status: criteria provided, single submitter. Criteria: ACMG Guidelines, 2015. Collection method: clinical testing. Allele origin: germline. Affected: yes.
Comment: The NF1 c.3198-2A>G variant is a splice variant in intron 24 of the gene, affecting the canonical acceptor splice site. In silico algorithm SpliceAI predicts a delta score of 0.97 for acceptor loss and 0.60 for acceptor gain. The variant is absent in population controls (gnomAD v2.1.1 and v4.1.0). It has been deposited as pathogenic/likely pathogenic in ClinVar (accession: VCV000428967.19), and has been reported in multiple neurofibromatosis patients (PMID: 18484666, 30014477, 31730495, 34418705, 37806041, 37272364). For these reasons, this variant is classified as pathogenic.

Genomic Medicine Center of Excellence, King Faisal Specialist Hospital and Research Centre
Classification: Pathogenic for Neurofibromatosis, type 1. Last evaluated: 2024-09-02. Review status: criteria provided, single submitter. Criteria: ACMG Guidelines, 2015. Collection method: clinical testing. Allele origin: germline.

Genome-Nilou Lab
Classification: Pathogenic for Neurofibromatosis, type 1. Last evaluated: 2022-03-15. Review status: criteria provided, single submitter. Criteria: ACMG Guidelines, 2015. Collection method: clinical testing. Allele origin: germline. Affected: no.

Fulgent Genetics
Classification: Likely pathogenic for Neurofibromatosis, type 1; Neurofibromatosis, familial spinal; Café-au-lait macules with pulmonary stenosis; Neurofibromatosis-Noonan syndrome; Juvenile myelomonocytic leukemia. Last evaluated: 2022-01-31. Review status: criteria provided, single submitter. Criteria: ACMG Guidelines, 2015. Collection method: clinical testing. Allele origin: unknown.

Genome Diagnostics Laboratory, The Hospital for Sick Children
Classification: Pathogenic for Neurofibromatosis, type 1. Last evaluated: 2020-10-26. Review status: criteria provided, single submitter. Criteria: ACMG Guidelines, 2015. Collection method: clinical testing. Allele origin: germline. Affected: yes.

Center for Human Genetics, Inc
Classification: Pathogenic for Neurofibromatosis, type 1. Last evaluated: 2016-11-01. Review status: criteria provided, single submitter. Criteria: ACMG Guidelines, 2015. Collection method: clinical testing. Allele origin: germline. Affected: yes.

Ambry Genetics
Classification: Pathogenic for Hereditary cancer-predisposing syndrome. Last evaluated: 2015-06-02. Review status: criteria provided, single submitter. Criteria: Ambry Autosomal Dominant and X-Linked criteria (10/2015). Collection method: clinical testing. Allele origin: germline. Observed: 1 variant allele.
Comment: The c.3198-2A>G intronic pathogenic mutation results from an A to G substitution two nucleotides upstream from coding exon 25 in the NF1 gene.

Juno Genomics, Hangzhou Juno Genomics, Inc
Classification: Pathogenic for Juvenile myelomonocytic leukemia; Neurofibromatosis-Noonan syndrome; Neurofibromatosis, familial spinal; Neurofibromatosis, type 1; Café-au-lait macules with pulmonary stenosis. Review status: criteria provided, single submitter. Criteria: ACMG Guidelines, 2015. Collection method: clinical testing. Allele origin: germline. Affected: yes.
Comment: Absent from controls (or at extremely low frequency if recessive) in Genome Aggregation Database.;Null variant in a gene where loss of function (LOF) is a known mechanism of disease.;The prevalence of the variant in affected individuals is significantly increased compared to the prevalence in controls.;Patient's phenotype or family history is highly specific for a disease with a single genetic etiology.

Literature cited by the submitters: PubMed 23913538 (cited by Labcorp Genetics (formerly Invitae), Labcorp and Ambry Genetics); PubMed 30014477 (cited by Labcorp Genetics (formerly Invitae), Labcorp and Division of Genetic & Genomic Pathology, Hong Kong Children's Hospital); PubMed 31730495 (cited by Labcorp Genetics (formerly Invitae), Labcorp and Division of Genetic & Genomic Pathology, Hong Kong Children's Hospital); PubMed 18484666 (cited by Division of Genetic & Genomic Pathology, Hong Kong Children's Hospital and Ambry Genetics); PubMed 34418705 (cited by Division of Genetic & Genomic Pathology, Hong Kong Children's Hospital); PubMed 37806041 (cited by Division of Genetic & Genomic Pathology, Hong Kong Children's Hospital); PubMed 37272364 (cited by Division of Genetic & Genomic Pathology, Hong Kong Children's Hospital).

NM_001042492.3(NF1):c.3198-2A>G

Gene: NF1 (neurofibromin 1; plus strand). Cytogenetic location: 17q11.2.
Variant type: single nucleotide variant.
Coding change: c.3198-2A>G on transcript NM_001042492.3 (MANE Select); the canonical splice acceptor site of the intron before coding-DNA position 3198, A replaced by G.
Molecular consequence: splice acceptor variant.
Genome position (GRCh38, 1-based): chr17:31,232,071, A>G. VCF-style: chr17-31232071-A-G. GRCh37 (hg19) VCF-style: chr17-29559089-A-G.
Other names: c.3198-2A>G (NM_000267.4).
Identifiers: ClinVar variation 428967 (VCV000428967.23), dbSNP rs1131691089, ClinGen allele CA398988490.